The following is an entry in ClinVar:

NM_000283.4(PDE6B):c.1415G>A (p.Arg472His)

Gene: PDE6B (phosphodiesterase 6B; plus strand). Cytogenetic location: 4p16.3.
Variant type: single nucleotide variant.
Coding change: c.1415G>A on transcript NM_000283.4 (MANE Select); coding-DNA position 1415, G replaced by A.
Protein change: p.Arg472His; replaces arginine 472 with histidine.
Molecular consequence: missense variant.
Genome position (GRCh38, 1-based): chr4:658,965, G>A. VCF-style: chr4-658965-G-A. GRCh37 (hg19) VCF-style: chr4-652754-G-A.
Other names: c.1415G>A, p.Arg472His (NM_001145291.2); c.578G>A, p.Arg193His (NM_001145292.2, NM_001350154.3, NM_001379246.1 and 1 more transcripts); c.260G>A, p.Arg87His (NM_001350155.3); c.1415G>A (NM_000283.3); short protein forms R472H, R193H, R87H.
Identifiers: ClinVar variation 596353 (VCV000596353.13), dbSNP rs759164479, ClinGen allele CA2794513.

ClinVar aggregate classification (germline): Uncertain significance. Review status: criteria provided, multiple submitters, no conflicts (2 of 4 stars). 4 submissions from 4 submitters: Uncertain significance (4). Last evaluated 2026-07-07.

Conditions:
PDE6B-related disorder. Also called: PDE6B-related disease; PDE6B-related condition; PDE6B-related disorders.

Allele frequency attached by ClinVar (database versions not stated): gnomAD exomes 0.00002 and 0.00009; TOPMed 0.00004; ExAC 0.00005; gnomAD 0.00005.

Submissions (4):

PreventionGenetics, part of Exact Sciences
Classification: Uncertain significance for PDE6B-related condition. Last evaluated: 2026-07-07. Review status: criteria provided, single submitter. Criteria: ACMG Guidelines, 2015. Collection method: clinical testing. Allele origin: germline.
Comment: The PDE6B c.1415G>A variant is predicted to result in the amino acid substitution p.Arg472His. This variant was previously reported in a patient with retinitis pigmentosa; however, that patient harbored a likely causative variant in the SNRNP200 gene (Liu et al. 2012. PubMed ID: 23029027). This variant is reported in 0.046% of alleles in individuals of Latino descent in gnomAD. At this time, the clinical significance of this variant is uncertain due to the absence of conclusive functional and genetic evidence.

Labcorp Genetics (formerly Invitae), Labcorp
Classification: Uncertain significance. Last evaluated: 2025-10-22. Review status: criteria provided, single submitter. Criteria: Invitae Variant Classification Sherloc (09022015). Collection method: clinical testing. Allele origin: germline.
Comment: This sequence change replaces arginine, which is basic and polar, with histidine, which is basic and polar, at codon 472 of the PDE6B protein (p.Arg472His). This variant is present in population databases (rs759164479, gnomAD 0.05%). This variant has not been reported in the literature in individuals affected with PDE6B-related conditions. ClinVar contains an entry for this variant (Variation ID: 596353). Invitae Evidence Modeling of protein sequence and biophysical properties (such as structural, functional, and spatial information, amino acid conservation, physicochemical variation, residue mobility, and thermodynamic stability) has been performed for this missense variant. However, the output from this modeling did not meet the statistical confidence thresholds required to predict the impact of this variant on PDE6B protein function. In summary, the available evidence is currently insufficient to determine the role of this variant in disease. Therefore, it has been classified as a Variant of Uncertain Significance.

Blueprint Genetics
Classification: Uncertain significance. Last evaluated: 2023-12-18. Review status: criteria provided, single submitter. Criteria: ACMG Guidelines, 2015. Collection method: clinical testing. Allele origin: germline.

Eurofins Ntd Llc (ga)
Classification: Uncertain significance. Last evaluated: 2018-03-12. Review status: criteria provided, single submitter. Criteria: EGL ClinVar v180209 classification definitions. Collection method: clinical testing. Allele origin: germline. Observed: 1 variant allele, 1 heterozygote.